The following is an entry in ClinVar:

ClinVar aggregate classification (germline): Uncertain significance (1 of 4 stars; one submission).

Conditions:
Bloom syndrome (BLM). Also called: Bloom-Torre-Machacek syndrome. Identifiers: Orphanet 125, MedGen C0005859, MONDO:0008876, OMIM 210900.

Allele frequency attached by ClinVar (database versions not stated): gnomAD exomes below 0.00001.
gnomAD v4.1: 2 of 1,612,458 alleles (0.00012%); highest among the groups gnomAD compares: Non-Finnish European, 0.000085%; no homozygotes.

Submission:

Labcorp Genetics (formerly Invitae), Labcorp
Classification: Uncertain significance for Bloom syndrome. Last evaluated: 2024-01-05. Review status: criteria provided, single submitter. Criteria: Invitae Variant Classification Sherloc (09022015). Collection method: clinical testing. Allele origin: germline.
Comment: This sequence change replaces threonine, which is neutral and polar, with alanine, which is neutral and non-polar, at codon 171 of the BLM protein (p.Thr171Ala). This variant is not present in population databases (gnomAD no frequency). This variant has not been reported in the literature in individuals affected with BLM-related conditions. ClinVar contains an entry for this variant (Variation ID: 944388). An algorithm developed to predict the effect of missense changes on protein structure and function (PolyPhen-2) suggests that this variant is likely to be tolerated. Experimental studies have shown that this missense change affects BLM function (PMID: 26028025). In summary, the available evidence is currently insufficient to determine the role of this variant in disease. Therefore, it has been classified as a Variant of Uncertain Significance.

Literature cited by the submitters: PubMed 26028025.

NM_000057.4(BLM):c.511A>G (p.Thr171Ala)

Gene: BLM (BLM RecQ like helicase; plus strand). Cytogenetic location: 15q26.1.
Variant type: single nucleotide variant.
Coding change: c.511A>G on transcript NM_000057.4 (MANE Select); coding-DNA position 511, A replaced by G.
Protein change: p.Thr171Ala; replaces threonine 171 with alanine.
Molecular consequence: missense variant. On other transcripts: 5 prime UTR variant (1).
Genome position (GRCh38, 1-based): chr15:90,749,779, A>G. VCF-style: chr15-90749779-A-G. GRCh37 (hg19) VCF-style: chr15-91293009-A-G.
Other names: c.511A>G, p.Thr171Ala (NM_001287246.2, NM_001287247.2); c.-781A>G (NM_001287248.2); short protein forms T171A.
Identifiers: ClinVar variation 944388 (VCV000944388.10), dbSNP rs1895622104, ClinGen allele CA393840946.